The following is an entry in ClinVar:

NM_001379200.1(TBX1):c.217C>T (p.Pro73Ser)

Gene: TBX1 (T-box transcription factor 1; plus strand). Cytogenetic location: 22q11.21.
Variant type: single nucleotide variant.
Coding change: c.217C>T on transcript NM_001379200.1 (MANE Select); coding-DNA position 217, C replaced by T.
Protein change: p.Pro73Ser; replaces proline 73 with serine.
Molecular consequence: missense variant.
Genome position (GRCh38, 1-based): chr22:19,761,060, C>T. VCF-style: chr22-19761060-C-T. GRCh37 (hg19) VCF-style: chr22-19748583-C-T.
Other names: c.190C>T, p.Pro64Ser (NM_005992.1, NM_080646.2, NM_080647.1); short protein forms P64S, P73S.
Identifiers: ClinVar variation 3778774 (VCV003778774.1).

ClinVar aggregate classification (germline): Uncertain significance (1 of 4 stars; one submission).

Conditions:
Tetralogy of Fallot (TOF). Identifiers: Orphanet 3303, MedGen C0039685, MONDO:0008542, OMIM 187500, HP:0001636.

Submission:

Daryl Scott Lab, Baylor College of Medicine
Classification: Uncertain significance for Tetralogy of Fallot. Last evaluated: 2024-04-01. Review status: criteria provided, single submitter. Criteria: ACMG Guidelines, 2015. Collection method: clinical testing. Allele origin: unknown. Observed: 1 heterozygote.
Comment: PM2